The following is an entry in ClinVar:

NM_001101426.4(CRPPA):c.25G>A (p.Ala9Thr)

Genes: CRPPA (CDP-L-ribitol pyrophosphorylase A; minus strand), LOC129998005 (ATAC-STARR-seq lymphoblastoid silent region 17982; plus strand). Cytogenetic location: 7p21.2.
Variant type: single nucleotide variant.
Coding change: c.25G>A on transcript NM_001101426.4 (MANE Select); coding-DNA position 25, G replaced by A.
Protein change: p.Ala9Thr; replaces alanine 9 with threonine.
Molecular consequence: missense variant. On other transcripts: non-coding transcript variant (1).
Genome position (GRCh38, 1-based): chr7:16,421,298, C>T on the plus strand (G>A on the coding strand, the complement: CRPPA is on the minus strand). VCF-style: chr7-16421298-C-T. GRCh37 (hg19) VCF-style: chr7-16460923-C-T.
Other names: c.25G>A, p.Ala9Thr (NM_001101417.4, NM_001368197.1); short protein forms A9T.
Identifiers: ClinVar variation 1680819 (VCV001680819.8), dbSNP rs909976918, ClinGen allele CA154766877.

ClinVar aggregate classification (germline): Uncertain significance (1 of 4 stars; one submission).

Conditions:
Muscular dystrophy-dystroglycanopathy (congenital with brain and eye anomalies), type A, 7. Also called: WALKER-WARBURG SYNDROME OR MUSCLE-EYE-BRAIN DISEASE, ISPD-RELATED; Congenital muscular dystrophy-dystroglycanopathy with brain and eye anomalies, type A7. Identifiers: Orphanet 899, MedGen C3553330, MONDO:0013835, OMIM 614643.
Autosomal recessive limb-girdle muscular dystrophy type 2U. Also called: Muscular dystrophy-dystroglycanopathy (limb-girdle), type c, 7; MUSCULAR DYSTROPHY, LIMB-GIRDLE, TYPE 2U. Identifiers: Orphanet 352479, MedGen C5190987, MONDO:0014474, OMIM 616052.

gnomAD v4.1: 4 of 1,264,756 alleles (0.00032%); highest among the groups gnomAD compares: Non-Finnish European, 0.0004%; no homozygotes.

Submission:

Labcorp Genetics (formerly Invitae), Labcorp
Classification: Uncertain significance for Muscular dystrophy-dystroglycanopathy (congenital with brain and eye anomalies), type A, 7; Autosomal recessive limb-girdle muscular dystrophy type 2U. Last evaluated: 2021-09-15. Review status: criteria provided, single submitter. Criteria: Invitae Variant Classification Sherloc (09022015). Collection method: clinical testing. Allele origin: germline.
Comment: In summary, the available evidence is currently insufficient to determine the role of this variant in disease. Therefore, it has been classified as a Variant of Uncertain Significance. Algorithms developed to predict the effect of missense changes on protein structure and function (SIFT, PolyPhen-2, Align-GVGD) all suggest that this variant is likely to be tolerated. This variant has not been reported in the literature in individuals affected with ISPD-related conditions. The frequency data for this variant in the population databases is considered unreliable, as metrics indicate insufficient coverage at this position in the ExAC database. This sequence change replaces alanine with threonine at codon 9 of the ISPD protein (p.Ala9Thr). The alanine residue is weakly conserved and there is a small physicochemical difference between alanine and threonine.